The following is an entry in ClinVar:

ClinVar aggregate classification (germline): Uncertain significance. Review status: criteria provided, multiple submitters, no conflicts (2 of 4 stars). 4 submissions from 4 submitters: Uncertain significance (4). Last evaluated 2025-09-30.

Conditions:
Hereditary cancer-predisposing syndrome. Also called: Hereditary neoplastic syndrome; Hereditary Cancer Syndrome; Neoplastic Syndromes, Hereditary; Tumor predisposition. Identifiers: Orphanet 140162, MedGen C0027672, MeSH D009386, MONDO:0015356.
Hereditary diffuse gastric adenocarcinoma (HDGC). Also called: DIFFUSE GASTRIC AND LOBULAR BREAST CANCER SYNDROME. Identifiers: Orphanet 26106, MedGen C1708349, MONDO:0007648, OMIM 137215.

Submissions (4):

Labcorp Genetics (formerly Invitae), Labcorp
Classification: Uncertain significance for Hereditary diffuse gastric adenocarcinoma. Last evaluated: 2025-09-30. Review status: criteria provided, single submitter. Criteria: Invitae Variant Classification Sherloc (09022015). Collection method: clinical testing. Allele origin: germline.
Comment: This sequence change replaces isoleucine, which is neutral and non-polar, with phenylalanine, which is neutral and non-polar, at codon 535 of the CDH1 protein (p.Ile535Phe). This variant is not present in population databases (gnomAD no frequency). This missense change has been observed in individual(s) with suspected Lynch syndrome (PMID: 25980754). ClinVar contains an entry for this variant (Variation ID: 419805). An algorithm developed to predict the effect of missense changes on protein structure and function (PolyPhen-2) suggests that this variant is likely to be disruptive. In summary, the available evidence is currently insufficient to determine the role of this variant in disease. Therefore, it has been classified as a Variant of Uncertain Significance.

Ambry Genetics
Classification: Uncertain significance for Hereditary cancer-predisposing syndrome. Last evaluated: 2024-02-20. Review status: criteria provided, single submitter. Criteria: Ambry Variant Classification Scheme 2023. Collection method: clinical testing. Allele origin: germline.
Comment: The p.I535F variant (also known as c.1603A>T), located in coding exon 11 of the CDH1 gene, results from an A to T substitution at nucleotide position 1603. The isoleucine at codon 535 is replaced by phenylalanine, an amino acid with highly similar properties. This amino acid position is not well conserved in available vertebrate species. In addition, the in silico prediction for this alteration is inconclusive. Since supporting evidence is limited at this time, the clinical significance of this alteration remains unclear.

Color Diagnostics, LLC DBA Color Health
Classification: Uncertain significance for Hereditary cancer-predisposing syndrome. Last evaluated: 2020-12-02. Review status: criteria provided, single submitter. Criteria: ACMG Guidelines, 2015. Collection method: clinical testing. Allele origin: germline.
Comment: This missense variant replaces isoleucine with phenylalanine at codon 535 of the CDH1 protein. To our knowledge, functional studies have not been reported for this variant. This variant has been reported in an individual suspected of having Lynch syndrome (PMID: 25980754). This variant has not been identified in the general population by the Genome Aggregation Database (gnomAD). The available evidence is insufficient to determine the role of this variant in disease conclusively. Therefore, this variant is classified as a Variant of Uncertain Significance.

GeneDx
Classification: Uncertain significance. Last evaluated: 2015-09-07. Review status: criteria provided, single submitter. Criteria: GeneDx Variant Classification (06012015). Collection method: clinical testing. Allele origin: germline. Affected: yes.
Comment: This variant is denoted CDH1 c.1603A>T at the cDNA level, p.Ile535Phe (I535F) at the protein level, and results in the change of an Isoleucine to a Phenylalanine (ATT>TTT). This variant was observed in an individual with Lynch syndrome-associated cancer and/or colorectal polyps (Yurgelun 2015). CDH1 Ile535Phe was not observed in approximately 6,500 individuals of European and African American ancestry in the NHLBI Exome Sequencing Project, indicating it is not a common benign variant in these populations. Since Isoleucine and Phenylalanine share similar properties, this is considered a conservative amino acid substitution. CDH1 Ile535Phe occurs at a position where amino acids with properties similar to Isoleucine are tolerated across species and is located in the cadherin 4 domain (UniProt). In silico analyses predict that this variant is probably damaging to protein structure and function. Based on currently available information, it is unclear whether CDH1 Ile535Phe is pathogenic or benign. We consider it to be a variant of uncertain significance.

Literature cited by the submitters: PubMed 25980754 (cited by Labcorp Genetics (formerly Invitae), Labcorp and Ambry Genetics).

NM_004360.5(CDH1):c.1603A>T (p.Ile535Phe)

Gene: CDH1 (cadherin 1; plus strand). Cytogenetic location: 16q22.1.
Variant type: single nucleotide variant.
Coding change: c.1603A>T on transcript NM_004360.5 (MANE Select); coding-DNA position 1603, A replaced by T.
Protein change: p.Ile535Phe; replaces isoleucine 535 with phenylalanine.
Molecular consequence: missense variant. On other transcripts: intron variant (1).
Genome position (GRCh38, 1-based): chr16:68,819,317, A>T. VCF-style: chr16-68819317-A-T. GRCh37 (hg19) VCF-style: chr16-68853220-A-T.
Other names: c.1603A>T (LRG_301t1); c.1420A>T, p.Ile474Phe (NM_001317184.2); c.55A>T, p.Ile19Phe (NM_001317185.2); c.-254-2684A>T (NM_001317186.2); short protein forms I535F, I19F, I474F.
Identifiers: ClinVar variation 419805 (VCV000419805.17), dbSNP rs144519845, ClinGen allele CA16620252.